The following is an entry in ClinVar:

NM_015164.4(PLEKHM2):c.410C>T (p.Thr137Met)

Gene: PLEKHM2 (pleckstrin homology and RUN domain containing M2; plus strand). Cytogenetic location: 1p36.21.
Variant type: single nucleotide variant.
Coding change: c.410C>T on transcript NM_015164.4 (MANE Select); coding-DNA position 410, C replaced by T.
Protein change: p.Thr137Met; replaces threonine 137 with methionine.
Molecular consequence: missense variant.
Genome position (GRCh38, 1-based): chr1:15,718,570, C>T. VCF-style: chr1-15718570-C-T. GRCh37 (hg19) VCF-style: chr1-16045065-C-T.
Other names: c.410C>T (NM_015164.2); c.410C>T, p.Thr137Met (NM_001410755.1); short protein forms T137M.
Identifiers: ClinVar variation 3666717 (VCV003666717.3).

ClinVar aggregate classification (germline): Uncertain significance. Review status: criteria provided, multiple submitters, no conflicts (2 of 4 stars). 2 submissions from 2 submitters: Uncertain significance (2). Last evaluated 2025-08-21.

gnomAD v4.1: 18 of 1,579,178 alleles (0.0011%); highest among the groups gnomAD compares: East Asian, 0.0069%; no homozygotes.

Submissions (2):

Ambry Genetics
Classification: Uncertain significance. Last evaluated: 2025-08-21. Review status: criteria provided, single submitter. Criteria: Ambry Variant Classification Scheme 2023. Collection method: clinical testing. Allele origin: germline.

Labcorp Genetics (formerly Invitae), Labcorp
Classification: Uncertain significance. Last evaluated: 2024-11-30. Review status: criteria provided, single submitter. Criteria: Invitae Variant Classification Sherloc (09022015). Collection method: clinical testing. Allele origin: germline.
Comment: This sequence change replaces threonine, which is neutral and polar, with methionine, which is neutral and non-polar, at codon 137 of the PLEKHM2 protein (p.Thr137Met). The frequency data for this variant in the population databases is considered unreliable, as metrics indicate poor data quality at this position in the gnomAD database. This variant has not been reported in the literature in individuals affected with PLEKHM2-related conditions. An algorithm developed to predict the effect of missense changes on protein structure and function (PolyPhen-2) suggests that this variant is likely to be tolerated. In summary, the available evidence is currently insufficient to determine the role of this variant in disease. Therefore, it has been classified as a Variant of Uncertain Significance.